The following is an entry in ClinVar:

ClinVar aggregate classification (germline): Uncertain significance (1 of 4 stars; one submission).

Conditions:
Autosomal recessive severe congenital neutropenia due to CSF3R deficiency. Also called: Neutropenia, severe congenital, 7, autosomal recessive. Identifiers: Orphanet 420702, MedGen C4310764, MONDO:0014865, OMIM 617014.

gnomAD v4.1: 8 of 1,614,172 alleles (0.0005%); highest among the groups gnomAD compares: Non-Finnish European, 0.00059%; no homozygotes.

Submission:

Labcorp Genetics (formerly Invitae), Labcorp
Classification: Uncertain significance for Autosomal recessive severe congenital neutropenia due to CSF3R deficiency. Last evaluated: 2025-10-09. Review status: criteria provided, single submitter. Criteria: Invitae Variant Classification Sherloc (09022015). Collection method: clinical testing. Allele origin: germline.
Comment: This sequence change replaces asparagine, which is neutral and polar, with serine, which is neutral and polar, at codon 610 of the CSF3R protein (p.Asn610Ser). This variant is present in population databases (rs764132853, gnomAD 0.0009%). This missense change has been observed in individual(s) with chronic myeloid leukemia (PMID: 30348809). Invitae Evidence Modeling of protein sequence and biophysical properties (such as structural, functional, and spatial information, amino acid conservation, physicochemical variation, residue mobility, and thermodynamic stability) indicates that this missense variant is expected to disrupt CSF3R protein function with a positive predictive value of 80%. Experimental studies have shown that this missense change affects CSF3R function (PMID: 30348809). In summary, the available evidence is currently insufficient to determine the role of this variant in disease. Therefore, it has been classified as a Variant of Uncertain Significance.

Literature cited by the submitters: PubMed 30348809.

NM_000760.4(CSF3R):c.1829A>G (p.Asn610Ser)

Gene: CSF3R (colony stimulating factor 3 receptor; minus strand). Cytogenetic location: 1p34.3.
Variant type: single nucleotide variant.
Coding change: c.1829A>G on transcript NM_000760.4 (MANE Select); coding-DNA position 1829, A replaced by G.
Protein change: p.Asn610Ser; replaces asparagine 610 with serine.
Molecular consequence: missense variant.
Genome position (GRCh38, 1-based): chr1:36,467,857, T>C on the plus strand (A>G on the coding strand, the complement: CSF3R is on the minus strand). VCF-style: chr1-36467857-T-C. GRCh37 (hg19) VCF-style: chr1-36933458-T-C.
Other names: c.1829A>G, p.Asn610Ser (NM_156039.3, NM_172313.3); short protein forms N610S.
Identifiers: ClinVar variation 4737560 (VCV004737560.1).